The following is an entry in ClinVar:

ClinVar aggregate classification (germline): Pathogenic/Likely pathogenic. Review status: criteria provided, multiple submitters, no conflicts (2 of 4 stars). 4 submissions from 4 submitters: Pathogenic (2); Likely pathogenic (2). Last evaluated 2025-09-21.

Conditions:
WRN-related disorder. Also called: WRN-related condition.
Werner syndrome (WRN). Identifiers: Orphanet 902, MedGen C0043119, MONDO:0010196, OMIM 277700.

Allele frequency attached by ClinVar (database versions not stated): ExAC 0.00001; gnomAD 0.00001; gnomAD exomes 0.00001 and 0.00002; TOPMed 0.00001; ESP Exome Variant Server 0.00008.
gnomAD v4.1: 28 of 1,614,012 alleles (0.0017%); highest among the groups gnomAD compares: Non-Finnish European, 0.0022%; no homozygotes.

Submissions (4):

PreventionGenetics, part of Exact Sciences
Classification: Pathogenic for WRN-related condition. Last evaluated: 2025-09-21. Review status: criteria provided, single submitter. Criteria: ACMG Guidelines, 2015. Collection method: clinical testing. Allele origin: germline.
Comment: The WRN c.3042G>A variant is predicted to result in premature protein termination (p.Trp1014*). To our knowledge, this variant has not been reported in the literature in individuals with WRN-related conditions. This variant is reported in 0.0023% of alleles in individuals of European (Non-Finnish) descent in gnomAD and is reported as likely pathogenic and pathogenic in ClinVar (Variation ID: 664656). Nonsense variants in WRN are expected to be pathogenic. This variant is interpreted as pathogenic.

Labcorp Genetics (formerly Invitae), Labcorp
Classification: Pathogenic for Werner syndrome. Last evaluated: 2025-08-19. Review status: criteria provided, single submitter. Criteria: Invitae Variant Classification Sherloc (09022015). Collection method: clinical testing. Allele origin: germline.
Comment: This sequence change creates a premature translational stop signal (p.Trp1014*) in the WRN gene. It is expected to result in an absent or disrupted protein product. Loss-of-function variants in WRN are known to be pathogenic (PMID: 16673358). This variant is present in population databases (rs371720457, gnomAD 0.002%). This variant has not been reported in the literature in individuals affected with WRN-related conditions. ClinVar contains an entry for this variant (Variation ID: 664656). For these reasons, this variant has been classified as Pathogenic.

Fulgent Genetics
Classification: Likely pathogenic for Werner syndrome. Last evaluated: 2024-05-29. Review status: criteria provided, single submitter. Criteria: ACMG Guidelines, 2015. Collection method: clinical testing. Allele origin: germline.

Baylor Genetics
Classification: Likely pathogenic for Werner syndrome. Last evaluated: 2023-05-22. Review status: criteria provided, single submitter. Criteria: ACMG Guidelines, 2015. Collection method: clinical testing. Allele origin: unknown.

Literature cited by the submitters: PubMed 16673358 (cited by Labcorp Genetics (formerly Invitae), Labcorp).

NM_000553.6(WRN):c.3042G>A (p.Trp1014Ter)

Gene: WRN (WRN RecQ like helicase; plus strand). Cytogenetic location: 8p12.
Variant type: single nucleotide variant.
Coding change: c.3042G>A on transcript NM_000553.6 (MANE Select); coding-DNA position 3042, G replaced by A.
Protein change: p.Trp1014Ter; replaces tryptophan 1014 with a stop codon.
Molecular consequence: nonsense.
Genome position (GRCh38, 1-based): chr8:31,141,504, G>A. VCF-style: chr8-31141504-G-A. GRCh37 (hg19) VCF-style: chr8-30999020-G-A.
Other names: short protein forms W1014*.
Identifiers: ClinVar variation 664656 (VCV000664656.12), dbSNP rs371720457, ClinGen allele CA4704925.